The following is an entry in ClinVar:

ClinVar aggregate classification (germline): Uncertain significance. Review status: criteria provided, multiple submitters, no conflicts (2 of 4 stars). 4 submissions from 4 submitters: Uncertain significance (4). Last evaluated 2025-06-11.

Conditions:
Autoinflammatory syndrome. Identifiers: Orphanet 93665, MedGen C3890737, MONDO:0019751.
Familial cold autoinflammatory syndrome 2 (FCAS2). Identifiers: Orphanet 247868, MedGen C2673198, MONDO:0012724, OMIM 611762.

Allele frequency attached by ClinVar (database versions not stated): gnomAD exomes below 0.00001; gnomAD 0.00001.
gnomAD v4.1: 14 of 1,614,066 alleles (0.00087%); highest among the groups gnomAD compares: Middle Eastern, 0.016%; no homozygotes.

Submissions (4):

Labcorp Genetics (formerly Invitae), Labcorp
Classification: Uncertain significance for Familial cold autoinflammatory syndrome 2. Last evaluated: 2025-06-11. Review status: criteria provided, single submitter. Criteria: Invitae Variant Classification Sherloc (09022015). Collection method: clinical testing. Allele origin: germline.
Comment: This sequence change replaces alanine, which is neutral and non-polar, with glycine, which is neutral and non-polar, at codon 523 of the NLRP12 protein (p.Ala523Gly). This variant is present in population databases (no rsID available, gnomAD no frequency). This variant has not been reported in the literature in individuals affected with NLRP12-related conditions. ClinVar contains an entry for this variant (Variation ID: 640521). Invitae Evidence Modeling of protein sequence and biophysical properties (such as structural, functional, and spatial information, amino acid conservation, physicochemical variation, residue mobility, and thermodynamic stability) indicates that this missense variant is expected to disrupt NLRP12 protein function with a positive predictive value of 80%. Algorithms developed to predict the effect of sequence changes on RNA splicing suggest that this variant may create or strengthen a splice site. In summary, the available evidence is currently insufficient to determine the role of this variant in disease. Therefore, it has been classified as a Variant of Uncertain Significance.

Revvity Omics, Revvity
Classification: Uncertain significance for Familial cold autoinflammatory syndrome 2. Last evaluated: 2023-06-08. Review status: criteria provided, single submitter. Criteria: ACMG Guidelines, 2015. Collection method: clinical testing. Allele origin: germline.

CeGaT Center for Human Genetics Tuebingen
Classification: Uncertain significance. Last evaluated: 2023-06-01. Review status: criteria provided, single submitter. Criteria: CeGaT Center For Human Genetics Tuebingen Variant Classification Criteria Version 2. Collection method: clinical testing. Allele origin: germline. Affected: yes. Observed: 2 variant alleles.

Genome Diagnostics Laboratory, The Hospital for Sick Children
Classification: Uncertain significance for Autoinflammatory syndrome. Last evaluated: 2017-11-01. Review status: criteria provided, single submitter. Criteria: ACMG Guidelines, 2015. Collection method: clinical testing. Allele origin: germline. Affected: yes.

NM_144687.4(NLRP12):c.1568C>G (p.Ala523Gly)

Gene: NLRP12 (NLR family pyrin domain containing 12; minus strand). Cytogenetic location: 19q13.42.
Variant type: single nucleotide variant.
Coding change: c.1568C>G on transcript NM_144687.4 (MANE Select); coding-DNA position 1568, C replaced by G.
Protein change: p.Ala523Gly; replaces alanine 523 with glycine.
Molecular consequence: missense variant.
Genome position (GRCh38, 1-based): chr19:53,810,091, G>C on the plus strand (C>G on the coding strand, the complement: NLRP12 is on the minus strand). VCF-style: chr19-53810091-G-C. GRCh37 (hg19) VCF-style: chr19-54313345-G-C.
Other names: c.1568C>G, p.Ala523Gly (NM_001277126.2, NM_001277129.1); short protein forms A523G.
Identifiers: ClinVar variation 640521 (VCV000640521.41), dbSNP rs1036210460, ClinGen allele CA310068872.
Genomic context (GRCh38, chr19:53,810,091, plus strand): 5'-CTGGTCACGTCCTGGTCTGGGCCTGCCCCGCCCTCCCCCTCGTCCAGGATATAGTACATA[G>C]CTGCAAAGAATTCCTGGAAACTCAAGTGGATGAAGCTGTAGTACCTCTCACAGTTGATGT-3'
Protein context (NP_653288.1, residues 513-533): IHLSFQEFFA[Ala523Gly]MYYILDEGEG